The following is an entry in ClinVar:

ClinVar aggregate classification (germline): Uncertain significance (1 of 4 stars; one submission).

Conditions:
Cardiovascular phenotype. Identifiers: MedGen CN230736.

Allele frequency attached by ClinVar (database versions not stated): TOPMed 0.00001; ExAC 0.00002; gnomAD exomes 0.00003.
gnomAD v4.1: 44 of 1,580,890 alleles (0.0028%); highest among the groups gnomAD compares: South Asian, 0.0081%; no homozygotes.

Submission:

Ambry Genetics
Classification: Uncertain significance for Cardiovascular phenotype. Last evaluated: 2023-01-16. Review status: criteria provided, single submitter. Criteria: Ambry Variant Classification Scheme 2023. Collection method: clinical testing. Allele origin: germline.
Comment: The p.S23P variant (also known as c.67T>C), located in coding exon 1 of the LMF1 gene, results from a T to C substitution at nucleotide position 67. The serine at codon 23 is replaced by proline, an amino acid with similar properties. This amino acid position is conserved. In addition, this alteration is predicted to be tolerated by in silico analysis. Since supporting evidence is limited at this time, the clinical significance of this alteration remains unclear.

NM_022773.4(LMF1):c.67T>C (p.Ser23Pro)

Genes: LMF1 (lipase maturation factor 1; minus strand), LOC130058141 (ATAC-STARR-seq lymphoblastoid silent region 6962; plus strand). Cytogenetic location: 16p13.3.
Variant type: single nucleotide variant.
Coding change: c.67T>C on transcript NM_022773.4 (MANE Select); coding-DNA position 67, T replaced by C.
Protein change: p.Ser23Pro; replaces serine 23 with proline.
Molecular consequence: missense variant. On other transcripts: 5 prime UTR variant (1), non-coding transcript variant (1), intron variant (3).
Genome position (GRCh38, 1-based): chr16:970,914, A>G on the plus strand (T>C on the coding strand, the complement: LMF1 is on the minus strand). VCF-style: chr16-970914-A-G. GRCh37 (hg19) VCF-style: chr16-1020914-A-G.
Other names: c.67T>C, p.Ser23Pro (NM_001352020.1); c.-639T>C (NM_001352021.2); c.-135+10231T>C (NM_001352019.2); c.-611+10231T>C (NM_001352017.2); c.-362+10231T>C (NM_001352018.2); short protein forms S23P.
Identifiers: ClinVar variation 2447055 (VCV002447055.2), dbSNP rs769877904, ClinGen allele CA7797797.
Genomic context (GRCh38, chr16:970,914, plus strand): 5'-GGGCCGGAGAGCCTGCGGGGCCACGCCCCGGCGCGGGCGGCGACTCAGGCTCCGGATCCG[A>G]GTACCCAGTCTTCCGCCTCCTCAGCGACTCCGCGGGCGCCGCCATTGTTGGGCTGTCAGG-3'
Protein context (NP_073610.2, residues 13-33): ESLRRRKTGY[Ser23Pro]DPEPESPPAP